The following is an entry in ClinVar:

ClinVar aggregate classification (germline): Uncertain significance (1 of 4 stars; one submission).

Submission:

Ambry Genetics
Classification: Uncertain significance. Last evaluated: 2024-06-24. Review status: criteria provided, single submitter. Criteria: Ambry Variant Classification Scheme 2023. Collection method: clinical testing. Allele origin: germline.
Comment: The p.I340L variant (also known as c.1018A>C), located in coding exon 1 of the MLH3 gene, results from an A to C substitution at nucleotide position 1018. The isoleucine at codon 340 is replaced by leucine, an amino acid with highly similar properties. This amino acid position is conserved. In addition, this alteration is predicted to be tolerated by in silico analysis. Based on the available evidence, the clinical significance of this variant remains unclear.

NM_001040108.2(MLH3):c.1018A>C (p.Ile340Leu)

Gene: MLH3 (mutL homolog 3; minus strand). Cytogenetic location: 14q24.3.
Variant type: single nucleotide variant.
Coding change: c.1018A>C on transcript NM_001040108.2 (MANE Select); coding-DNA position 1018, A replaced by C.
Protein change: p.Ile340Leu; replaces isoleucine 340 with leucine.
Molecular consequence: missense variant.
Genome position (GRCh38, 1-based): chr14:75,048,638, T>G on the plus strand (A>C on the coding strand, the complement: MLH3 is on the minus strand). VCF-style: chr14-75048638-T-G. GRCh37 (hg19) VCF-style: chr14-75515341-T-G.
Other names: c.1018A>C, p.Ile340Leu (NM_014381.3); short protein forms I340L.
Identifiers: ClinVar variation 3295176 (VCV003295176.1).
Genomic context (GRCh38, chr14:75,048,638, plus strand): 5'-CACCTGATAATTCCACAAATAATTTTTCTTGCTTTAAAAACATTTTCACTCCTTCCTGAA[T>G]GCAAAACAAGAGAGTGTCCCAGTTCTGAAATTCAATCAGAGTTTTGGCTGGCTCCATGCA-3'
Protein context (NP_001035197.1, residues 330-350): FQNWDTLLFC[Ile340Leu]QEGVKMFLKQ